The following is an entry in ClinVar:

NM_024656.4(COLGALT1):c.1102G>A (p.Glu368Lys)

Gene: COLGALT1 (collagen beta(1-O)galactosyltransferase 1; plus strand). Cytogenetic location: 19p13.11.
Variant type: single nucleotide variant.
Coding change: c.1102G>A on transcript NM_024656.4 (MANE Select); coding-DNA position 1102, G replaced by A.
Protein change: p.Glu368Lys; replaces glutamic acid 368 with lysine.
Molecular consequence: missense variant.
Genome position (GRCh38, 1-based): chr19:17,577,436, G>A. VCF-style: chr19-17577436-G-A. GRCh37 (hg19) VCF-style: chr19-17688245-G-A.
Other names: short protein forms E368K.
Identifiers: ClinVar variation 2059316 (VCV002059316.4), dbSNP rs755975971, ClinGen allele CA9297164.

ClinVar aggregate classification (germline): Uncertain significance (1 of 4 stars; one submission).

Allele frequency attached by ClinVar (database versions not stated): TOPMed below 0.00001; gnomAD 0.00001; gnomAD exomes 0.00002; ExAC 0.00005.
gnomAD v4.1: 13 of 1,522,870 alleles (0.00085%); highest among the groups gnomAD compares: Non-Finnish European, 0.0011%; no homozygotes.

Submission:

Labcorp Genetics (formerly Invitae), Labcorp
Classification: Uncertain significance. Last evaluated: 2022-08-31. Review status: criteria provided, single submitter. Criteria: Invitae Variant Classification Sherloc (09022015). Collection method: clinical testing. Allele origin: germline.
Comment: In summary, the available evidence is currently insufficient to determine the role of this variant in disease. Therefore, it has been classified as a Variant of Uncertain Significance. Algorithms developed to predict the effect of missense changes on protein structure and function output the following: SIFT: "Not Available"; PolyPhen-2: "Benign"; Align-GVGD: "Not Available". The lysine amino acid residue is found in multiple mammalian species, which suggests that this missense change does not adversely affect protein function. This variant has not been reported in the literature in individuals affected with COLGALT1-related conditions. The frequency data for this variant in the population databases is considered unreliable, as metrics indicate poor data quality at this position in the gnomAD database. This sequence change replaces glutamic acid, which is acidic and polar, with lysine, which is basic and polar, at codon 368 of the COLGALT1 protein (p.Glu368Lys).